The following is an entry in ClinVar:

ClinVar aggregate classification (germline): Uncertain significance. Review status: criteria provided, multiple submitters, no conflicts (2 of 4 stars). 2 submissions from 2 submitters: Uncertain significance (2). Last evaluated 2022-05-27.

Conditions:
Chédiak-Higashi syndrome (CHS). Also called: Chediak-Higashi Syndrome. Identifiers: Orphanet 167, MedGen C0007965, MONDO:0008963, OMIM 214500.

Allele frequency attached by ClinVar (database versions not stated): gnomAD 0.00001.
gnomAD v4.1: 6 of 1,613,482 alleles (0.00037%); highest among the groups gnomAD compares: East Asian, 0.0045%; no homozygotes.

Submissions (2):

Labcorp Genetics (formerly Invitae), Labcorp
Classification: Uncertain significance for Chédiak-Higashi syndrome. Last evaluated: 2022-05-27. Review status: criteria provided, single submitter. Criteria: Invitae Variant Classification Sherloc (09022015). Collection method: clinical testing. Allele origin: germline.
Comment: This sequence change replaces threonine, which is neutral and polar, with methionine, which is neutral and non-polar, at codon 3529 of the LYST protein (p.Thr3529Met). This variant is not present in population databases (gnomAD no frequency). This variant has not been reported in the literature in individuals affected with LYST-related conditions. Algorithms developed to predict the effect of missense changes on protein structure and function are either unavailable or do not agree on the potential impact of this missense change (SIFT: "Deleterious"; PolyPhen-2: "Possibly Damaging"; Align-GVGD: "Class C0"). In summary, the available evidence is currently insufficient to determine the role of this variant in disease. Therefore, it has been classified as a Variant of Uncertain Significance.

Revvity Omics, Revvity
Classification: Uncertain significance for Chédiak-Higashi syndrome. Last evaluated: 2019-06-11. Review status: criteria provided, single submitter. Criteria: ACMG Guidelines, 2015. Collection method: clinical testing. Allele origin: germline.

NM_000081.4(LYST):c.10586C>T (p.Thr3529Met)

Gene: LYST (lysosomal trafficking regulator; minus strand). Cytogenetic location: 1q42.3.
Variant type: single nucleotide variant.
Coding change: c.10586C>T on transcript NM_000081.4 (MANE Select); coding-DNA position 10586, C replaced by T.
Protein change: p.Thr3529Met; replaces threonine 3529 with methionine.
Molecular consequence: missense variant.
Genome position (GRCh38, 1-based): chr1:235,693,465, G>A on the plus strand (C>T on the coding strand, the complement: LYST is on the minus strand). VCF-style: chr1-235693465-G-A. GRCh37 (hg19) VCF-style: chr1-235856765-G-A.
Other names: c.10586C>T, p.Thr3529Met (NM_001301365.1); short protein forms T3529M.
Identifiers: ClinVar variation 2079760 (VCV002079760.4), dbSNP rs1660837284, ClinGen allele CA344926998.
Genomic context (GRCh38, chr1:235,693,465, plus strand): 5'-TTCAACCTTAAAATATTATCAGCATATCCCCAGCTCAGGATGGCTGACCACTGAATGTCC[G>A]TACTGTTCATGCTTCTCACACCTCAAGGAGAAGGAGAAAGAAAAGTATCAGATTGTCACT-3'
Protein context (NP_000072.2, residues 3519-3539): KEQGVRSMNS[Thr3529Met]DIQWSAILSW